The following is an entry in ClinVar:

ClinVar aggregate classification (germline): Benign. Review status: criteria provided, multiple submitters, no conflicts (2 of 4 stars). 3 submissions from 3 submitters: Benign (3). Last evaluated 2026-01-18.

Conditions:
ADCY10-related disorder. Also called: ADCY10-related condition.

Allele frequency attached by ClinVar (database versions not stated): 1000 Genomes Project 30x 0.00234; 1000 Genomes Project 0.00260.
gnomAD v4.1: 322 of 1,614,004 alleles (0.02%); highest among the groups gnomAD compares: East Asian, 0.57%; 4 homozygotes.

Submissions (3):

Labcorp Genetics (formerly Invitae), Labcorp
Classification: Benign. Last evaluated: 2026-01-18. Review status: criteria provided, single submitter. Criteria: Invitae Variant Classification Sherloc (09022015). Collection method: clinical testing. Allele origin: germline.

PreventionGenetics, part of Exact Sciences
Classification: Benign for ADCY10-related condition. Last evaluated: 2025-06-17. Review status: criteria provided, single submitter. Criteria: ACMG Guidelines, 2015. Collection method: clinical testing. Allele origin: germline.
Comment: This variant is classified as benign based on ACMG/AMP sequence variant interpretation guidelines (Richards et al. 2015 PMID: 25741868, with internal and published modifications).

Breakthrough Genomics
Classification: Benign. Review status: criteria provided, single submitter. Criteria: ACMG Guidelines, 2015. Collection method: not provided. Allele origin: germline. Inheritance: Autosomal dominant inheritance. Affected: yes.

NM_018417.6(ADCY10):c.3565C>A (p.Arg1189=)

Gene: ADCY10 (adenylate cyclase 10; minus strand). Cytogenetic location: 1q24.2.
Variant type: single nucleotide variant.
Coding change: c.3565C>A on transcript NM_018417.6 (MANE Select); coding-DNA position 3565, C replaced by A.
Protein change: p.Arg1189=; no amino-acid change (arginine 1189 retained).
Molecular consequence: synonymous variant.
Genome position (GRCh38, 1-based): chr1:167,833,015, G>T on the plus strand (C>A on the coding strand, the complement: ADCY10 is on the minus strand). VCF-style: chr1-167833015-G-T. GRCh37 (hg19) VCF-style: chr1-167802253-G-T.
Other names: c.3106C>A, p.Arg1036= (NM_001167749.3); c.3289C>A, p.Arg1097= (NM_001297772.2); c.3565C>A (NM_018417.5).
Identifiers: ClinVar variation 1168708 (VCV001168708.8), dbSNP rs141732535, ClinGen allele CA1227321.